The following is an entry in ClinVar:

ClinVar aggregate classification (germline): Conflicting classifications of pathogenicity. Review status: criteria provided, conflicting classifications (1 of 4 stars). 3 submissions from 3 submitters: Uncertain significance (1); Likely benign (2). Last evaluated 2026-06-07.

Conditions:
Inborn genetic diseases. Identifiers: MedGen C0950123, MeSH D030342.

Allele frequency attached by ClinVar (database versions not stated): TOPMed 0.00004; ExAC 0.00005; gnomAD 0.00005.
gnomAD v4.1: 43 of 1,606,606 alleles (0.0027%); highest among the groups gnomAD compares: African/African-American, 0.012%; 1 homozygote.

Submissions (3):

Revvity Omics, Revvity
Classification: Likely benign. Last evaluated: 2026-06-07. Review status: criteria provided, single submitter. Criteria: ACMG Guidelines, 2015. Collection method: clinical testing. Allele origin: germline.

GeneDx
Classification: Uncertain significance. Last evaluated: 2024-08-01. Review status: criteria provided, single submitter. Criteria: GeneDx Variant Classification Process June 2021. Collection method: clinical testing. Allele origin: germline. Affected: yes.
Comment: In silico analysis indicates that this missense variant does not alter protein structure/function; Has not been previously published as pathogenic or benign to our knowledge

Ambry Genetics
Classification: Likely benign for Inborn genetic diseases. Last evaluated: 2022-09-26. Review status: criteria provided, single submitter. Criteria: Ambry Variant Classification Scheme 2023. Collection method: clinical testing. Allele origin: germline.

NM_017649.5(CNNM2):c.2311G>A (p.Val771Ile)

Gene: CNNM2 (cyclin and CBS domain divalent metal cation transport mediator 2; plus strand). Cytogenetic location: 10q24.32.
Variant type: single nucleotide variant.
Coding change: c.2311G>A on transcript NM_017649.5 (MANE Select); coding-DNA position 2311, G replaced by A.
Protein change: p.Val771Ile; replaces valine 771 with isoleucine.
Molecular consequence: missense variant.
Genome position (GRCh38, 1-based): chr10:103,076,163, G>A. VCF-style: chr10-103076163-G-A. GRCh37 (hg19) VCF-style: chr10-104835920-G-A.
Other names: c.2245G>A, p.Val749Ile (NM_199076.3); c.2311G>A (NM_017649.4); short protein forms V749I, V771I.
Identifiers: ClinVar variation 2220806 (VCV002220806.4), dbSNP rs750190975, ClinGen allele CA5670599.